The following is an entry in ClinVar:

ClinVar aggregate classification (germline): Uncertain significance (1 of 4 stars; one submission).

Conditions:
Inborn genetic diseases. Identifiers: MedGen C0950123, MeSH D030342.

Submission:

Ambry Genetics
Classification: Uncertain significance for Inborn genetic diseases. Last evaluated: 2023-12-10. Review status: criteria provided, single submitter. Criteria: Ambry Variant Classification Scheme 2023. Collection method: clinical testing. Allele origin: germline.
Comment: The p.I117M variant (also known as c.351T>G), located in coding exon 4 of the RAD51 gene, results from a T to G substitution at nucleotide position 351. The isoleucine at codon 117 is replaced by methionine, an amino acid with highly similar properties. This amino acid position is conserved. In addition, the in silico prediction for this alteration is inconclusive. Since supporting evidence is limited at this time, the clinical significance of this alteration remains unclear.

NM_002875.5(RAD51):c.351T>G (p.Ile117Met)

Gene: RAD51 (RAD51 recombinase; plus strand). Cytogenetic location: 15q15.1.
Variant type: single nucleotide variant.
Coding change: c.351T>G on transcript NM_002875.5 (MANE Select); coding-DNA position 351, T replaced by G.
Protein change: p.Ile117Met; replaces isoleucine 117 with methionine.
Molecular consequence: missense variant.
Genome position (GRCh38, 1-based): chr15:40,709,032, T>G. VCF-style: chr15-40709032-T-G. GRCh37 (hg19) VCF-style: chr15-41001230-T-G.
Other names: c.354T>G, p.Ile118Met (NM_001164269.2, NM_133487.4); c.351T>G, p.Ile117Met (NM_001164270.2); short protein forms I117M, I118M.
Identifiers: ClinVar variation 3222851 (VCV003222851.1), dbSNP rs2504450595, ClinGen allele CA391751045.